The following is an entry in ClinVar:

NM_004006.3(DMD):c.2233C>G (p.Pro745Ala)

Gene: DMD (dystrophin; minus strand). Cytogenetic location: Xp21.1.
Variant type: single nucleotide variant.
Coding change: c.2233C>G on transcript NM_004006.3 (MANE Select); coding-DNA position 2233, C replaced by G.
Protein change: p.Pro745Ala; replaces proline 745 with alanine.
Molecular consequence: missense variant.
Genome position (GRCh38, 1-based): chrX:32,518,067, G>C on the plus strand (C>G on the coding strand, the complement: DMD is on the minus strand). VCF-style: chrX-32518067-G-C. GRCh37 (hg19) VCF-style: chrX-32536184-G-C.
Other names: c.2209C>G, p.Pro737Ala (NM_000109.4); c.2221C>G, p.Pro741Ala (NM_004009.3); c.1864C>G, p.Pro622Ala (NM_004010.3); c.2233C>G (NM_004006.2); short protein forms P622A, P737A, P741A, P745A.
Identifiers: ClinVar variation 1052758 (VCV001052758.11), dbSNP rs1435295333, ClinGen allele CA412663897.
Genomic context (GRCh38, chrX:32,518,067, plus strand): 5'-CATTGACTTTTTCTTTTAAGTCTGAGAAGTTGCCTTCCTTCCGAAAGATTGCAAATTCAG[G>C]ACTCTGCAACACAGCTTCTGAGCGAGTAATCCAGCTGTGAAGTTCAGTTATATCAACATC-3'
Protein context (NP_003997.2, residues 735-755): ITRSEAVLQS[Pro745Ala]EFAIFRKEGN

ClinVar aggregate classification (germline): Uncertain significance. Review status: criteria provided, multiple submitters, no conflicts (2 of 4 stars). 4 submissions from 4 submitters: Uncertain significance (3). 1 of the submissions does not count toward it. Last evaluated 2026-02-24.

Conditions:
Cardiomyopathy (CMYO). Also called: Cardiomyopathies. Identifiers: Orphanet 167848, MedGen C0878544, MONDO:0004994, HP:0001638. Inheritance: Various modes of inheritance.
Dystrophin deficiency.
Duchenne muscular dystrophy (DMD). Also called: MUSCULAR DYSTROPHY, PSEUDOHYPERTROPHIC PROGRESSIVE, DUCHENNE TYPE; Duchenne Muscular Dystrophy (DMD). Identifiers: Orphanet 98896, MedGen C0013264, MONDO:0010679, OMIM 310200.
Becker muscular dystrophy (BMD). Also called: Becker Muscular Dystrophy (BMD); MUSCULAR DYSTROPHY, PSEUDOHYPERTROPHIC PROGRESSIVE, BECKER TYPE. Identifiers: Orphanet 98895, MedGen C0917713, MONDO:0010311, OMIM 300376.
Cardiovascular phenotype. Identifiers: MedGen CN230736.
Dilated cardiomyopathy 3B (CMD3B). Also called: CMD3B: DMD-Related Dilated Cardiomyopathy; CARDIOMYOPATHY, DILATED, X-LINKED; DMD-Associated Dilated Cardiomyopathy. Identifiers: Orphanet 154, MedGen C3668940, MONDO:0010542, OMIM 302045.

Allele frequency attached by ClinVar (database versions not stated): gnomAD exomes below 0.00001; gnomAD 0.00002.
gnomAD v4.1: 4 of 1,207,780 alleles (0.00033%); highest among the groups gnomAD compares: African/African-American, 0.0035%; no homozygotes.

Submissions (4):

Ambry Genetics
Classification: Uncertain significance for Cardiovascular phenotype. Last evaluated: 2026-02-24. Review status: criteria provided, single submitter. Criteria: Ambry Variant Classification Scheme 2023. Collection method: clinical testing. Allele origin: germline.

Labcorp Genetics (formerly Invitae), Labcorp
Classification: Uncertain significance for Duchenne muscular dystrophy. Last evaluated: 2025-02-26. Review status: criteria provided, single submitter. Criteria: Invitae Variant Classification Sherloc (09022015). Collection method: clinical testing. Allele origin: germline.
Comment: This sequence change replaces proline, which is neutral and non-polar, with alanine, which is neutral and non-polar, at codon 745 of the DMD protein (p.Pro745Ala). This variant is not present in population databases (gnomAD no frequency). This variant has not been reported in the literature in individuals affected with DMD-related conditions. ClinVar contains an entry for this variant (Variation ID: 1052758). Invitae Evidence Modeling of protein sequence and biophysical properties (such as structural, functional, and spatial information, amino acid conservation, physicochemical variation, residue mobility, and thermodynamic stability) indicates that this missense variant is not expected to disrupt DMD protein function with a negative predictive value of 95%. In summary, the available evidence is currently insufficient to determine the role of this variant in disease. Therefore, it has been classified as a Variant of Uncertain Significance.

Fulgent Genetics
Classification: Uncertain significance for Becker muscular dystrophy; Dilated cardiomyopathy 3B; Duchenne muscular dystrophy. Last evaluated: 2021-08-19. Review status: criteria provided, single submitter. Criteria: ACMG Guidelines, 2015. Collection method: clinical testing. Allele origin: unknown.

Natera, Inc.
Classification: Uncertain significance for Becker muscular dystrophy; Cardiomyopathy; Duchenne muscular dystrophy; Dystrophin deficiency. Last evaluated: 2018-11-15. Review status: no assertion criteria provided. Collection method: clinical testing. Allele origin: germline. Not counted in ClinVar's aggregate classification.